The following is an entry in ClinVar:

ClinVar aggregate classification (germline): Uncertain significance. Review status: criteria provided, multiple submitters, no conflicts (2 of 4 stars). 2 submissions from 2 submitters: Uncertain significance (2). Last evaluated 2025-04-28.

Conditions:
Hereditary cancer-predisposing syndrome. Also called: Hereditary Cancer Syndrome; Hereditary neoplastic syndrome; Neoplastic Syndromes, Hereditary; Tumor predisposition. Identifiers: Orphanet 140162, MedGen C0027672, MeSH D009386, MONDO:0015356.
Tumor predisposition syndrome 3 (TPDS3). Also called: Melanoma, cutaneous malignant, susceptibility to, 10; Glioma susceptibility 9; LONG TELOMERE SYNDROME, POT1-RELATED; POT1 Tumor Predisposition. Identifiers: Orphanet 618, MedGen C4014476, MONDO:0014368, OMIM 615848.

Allele frequency attached by ClinVar (database versions not stated): gnomAD exomes below 0.00001.
gnomAD v4.1: 1 of 1,613,620 alleles (0.000062%); highest among the groups gnomAD compares: Non-Finnish European, 0.000085%; no homozygotes.

Submissions (2):

Ambry Genetics
Classification: Uncertain significance for Hereditary cancer-predisposing syndrome. Last evaluated: 2025-04-28. Review status: criteria provided, single submitter. Criteria: Ambry Variant Classification Scheme 2023. Collection method: clinical testing. Allele origin: germline.
Comment: The p.A172V variant (also known as c.515C>T), located in coding exon 4 of the POT1 gene, results from a C to T substitution at nucleotide position 515. The alanine at codon 172 is replaced by valine, an amino acid with similar properties. This amino acid position is highly conserved in available vertebrate species. In addition, this alteration is predicted to be tolerated by in silico analysis. Since supporting evidence is limited at this time, the clinical significance of this alteration remains unclear.

Labcorp Genetics (formerly Invitae), Labcorp
Classification: Uncertain significance for Tumor predisposition syndrome 3. Last evaluated: 2023-08-24. Review status: criteria provided, single submitter. Criteria: Invitae Variant Classification Sherloc (09022015). Collection method: clinical testing. Allele origin: germline.
Comment: This sequence change replaces alanine, which is neutral and non-polar, with valine, which is neutral and non-polar, at codon 172 of the POT1 protein (p.Ala172Val). This variant is not present in population databases (gnomAD no frequency). This variant has not been reported in the literature in individuals affected with POT1-related conditions. ClinVar contains an entry for this variant (Variation ID: 1745712). Advanced modeling of protein sequence and biophysical properties (such as structural, functional, and spatial information, amino acid conservation, physicochemical variation, residue mobility, and thermodynamic stability) performed at Invitae indicates that this missense variant is not expected to disrupt POT1 protein function. In summary, the available evidence is currently insufficient to determine the role of this variant in disease. Therefore, it has been classified as a Variant of Uncertain Significance.

NM_015450.3(POT1):c.515C>T (p.Ala172Val)

Gene: POT1 (protection of telomeres 1; minus strand). Cytogenetic location: 7q31.33.
Variant type: single nucleotide variant.
Coding change: c.515C>T on transcript NM_015450.3 (MANE Select); coding-DNA position 515, C replaced by T.
Protein change: p.Ala172Val; replaces alanine 172 with valine.
Molecular consequence: missense variant. On other transcripts: non-coding transcript variant (3).
Genome position (GRCh38, 1-based): chr7:124,863,381, G>A on the plus strand (C>T on the coding strand, the complement: POT1 is on the minus strand). VCF-style: chr7-124863381-G-A. GRCh37 (hg19) VCF-style: chr7-124503435-G-A.
Other names: c.122C>T, p.Ala41Val (NM_001042594.2); short protein forms A172V, A41V.
Identifiers: ClinVar variation 1745712 (VCV001745712.6), dbSNP rs2485479537, ClinGen allele CA369058765.